The following is an entry in ClinVar:

ClinVar aggregate classification (germline): Uncertain significance (1 of 4 stars; one submission).

Submission:

Labcorp Genetics (formerly Invitae), Labcorp
Classification: Uncertain significance. Last evaluated: 2024-05-02. Review status: criteria provided, single submitter. Criteria: Invitae Variant Classification Sherloc (09022015). Collection method: clinical testing. Allele origin: germline.
Comment: This sequence change replaces lysine, which is basic and polar, with asparagine, which is neutral and polar, at codon 356 of the PACS2 protein (p.Lys356Asn). This variant is not present in population databases (gnomAD no frequency). This variant has not been reported in the literature in individuals affected with PACS2-related conditions. An algorithm developed to predict the effect of missense changes on protein structure and function (PolyPhen-2) suggests that this variant is likely to be tolerated. In summary, the available evidence is currently insufficient to determine the role of this variant in disease. Therefore, it has been classified as a Variant of Uncertain Significance.

NM_001100913.3(PACS2):c.1068G>T (p.Lys356Asn)

Gene: PACS2 (phosphofurin acidic cluster sorting protein 2; plus strand). Cytogenetic location: 14q32.33.
Variant type: single nucleotide variant.
Coding change: c.1068G>T on transcript NM_001100913.3 (MANE Select); coding-DNA position 1068, G replaced by T.
Protein change: p.Lys356Asn; replaces lysine 356 with asparagine.
Molecular consequence: missense variant.
Genome position (GRCh38, 1-based): chr14:105,380,097, G>T. VCF-style: chr14-105380097-G-T. GRCh37 (hg19) VCF-style: chr14-105846434-G-T.
Other names: c.843G>T, p.Lys281Asn (NM_001243127.3); c.1068G>T, p.Lys356Asn (NM_015197.4); short protein forms K281N, K356N.
Identifiers: ClinVar variation 3651926 (VCV003651926.2).
Genomic context (GRCh38, chr14:105,380,097, plus strand): 5'-CCTGCAGTTGAGCACAAGCTGATTCCCATCTCCTCCCCCACAGGCTGACGTGCCCGAGAA[G>T]ACGCGGTCCCTGGGAGGCAGGCAGCCGAGCGACAGTGTCTCTGACACGGTGGCCCTCGTA-3'
Protein context (NP_001094383.2, residues 346-366): EPPSPADVPE[Lys356Asn]TRSLGGRQPS